The following is an entry in ClinVar:

ClinVar aggregate classification (germline): Uncertain significance. Review status: criteria provided, multiple submitters, no conflicts (2 of 4 stars). 3 submissions from 3 submitters: Uncertain significance (3). Last evaluated 2025-05-28.

Conditions:
IDS-related disorder. Also called: IDS-related condition.
Mucopolysaccharidosis, MPS-II (MPS2). Also called: Attenuated MPS (subtype; formerly known as mild MPS II); Severe MPS II; I2S deficiency; MPS 2; Hunter Syndrome; SIDS deficiency. Identifiers: Orphanet 580, Orphanet 79388, MedGen C0026705, MONDO:0010674, OMIM 309900.

Allele frequency attached by ClinVar (database versions not stated): gnomAD exomes below 0.00001.
gnomAD v4.1: 1 of 1,211,193 alleles (0.000083%); highest among the groups gnomAD compares: Non-Finnish European, 0.00011%; no homozygotes.

Submissions (3):

PreventionGenetics, part of Exact Sciences
Classification: Uncertain significance for IDS-related condition. Last evaluated: 2025-05-28. Review status: criteria provided, single submitter. Criteria: ACMG Guidelines, 2015. Collection method: clinical testing. Allele origin: germline.
Comment: The IDS c.1072C>A variant is predicted to result in the amino acid substitution p.Pro358Thr. This variant was reported in a fetus with cystic hygroma, omphalocele, diaphragmatic hernia, and pulmonary hypoplasia (Marangoni et al. 2022. PubMed ID: 34906519). A different amino acid substitution at this position (c.1073C>G, p.Pro358Arg) has also been reported in an individual with features of mucopolysaccharidosis II (Jonsson et al. 1995. PubMed ID: 7887413). This variant is reported in 0.0012% of alleles in individuals of European (Non-Finnish) descent in gnomAD. Although we suspect that this variant may be pathogenic, at this time, the clinical significance of this variant is uncertain due to the absence of conclusive functional and genetic evidence.

Women's Health and Genetics/Laboratory Corporation of America, LabCorp
Classification: Uncertain significance. Last evaluated: 2024-04-05. Review status: criteria provided, single submitter. Criteria: LabCorp Variant Classification Summary - May 2015. Collection method: clinical testing. Allele origin: germline.
Comment: Variant summary: IDS c.1072C>A (p.Pro358Thr) results in a non-conservative amino acid change located in the Sulfatase, N-terminal domain (IPR000917) of the encoded protein sequence. Five of five in-silico tools predict a damaging effect of the variant on protein function. The variant allele was found at a frequency of 5.5e-06 in 183471 control chromosomes. The available data on variant occurrences in the general population are insufficient to allow any conclusion about variant significance. To our knowledge, c.1072C>A has not been reported in the literature in individuals affected with Mucopolysaccharidosis Type II (Hunter Syndrome) and no experimental evidence demonstrating an impact on protein function has been reported. The following publication has been ascertained in the context of this evaluation (PMID: 34906519). ClinVar contains an entry for this variant (Variation ID: 1965238). Based on the evidence outlined above, the variant was classified as uncertain significance.

Labcorp Genetics (formerly Invitae), Labcorp
Classification: Uncertain significance for Mucopolysaccharidosis, MPS-II. Last evaluated: 2022-06-14. Review status: criteria provided, single submitter. Criteria: Invitae Variant Classification Sherloc (09022015). Collection method: clinical testing. Allele origin: germline.
Comment: This sequence change replaces proline, which is neutral and non-polar, with threonine, which is neutral and polar, at codon 358 of the IDS protein (p.Pro358Thr). This variant is present in population databases (no rsID available, gnomAD 0.001%). This variant has not been reported in the literature in individuals affected with IDS-related conditions. Advanced modeling of protein sequence and biophysical properties (such as structural, functional, and spatial information, amino acid conservation, physicochemical variation, residue mobility, and thermodynamic stability) performed at Invitae indicates that this missense variant is expected to disrupt IDS protein function. In summary, the available evidence is currently insufficient to determine the role of this variant in disease. Therefore, it has been classified as a Variant of Uncertain Significance.

Literature cited by the submitters: PubMed 34906519 (cited by Women's Health and Genetics/Laboratory Corporation of America, LabCorp).

NM_000202.8(IDS):c.1072C>A (p.Pro358Thr)

Genes: IDS (iduronate 2-sulfatase; minus strand), LOC106050102 (IDS recombination region; plus strand). Cytogenetic location: Xq28.
Variant type: single nucleotide variant.
Coding change: c.1072C>A on transcript NM_000202.8 (MANE Select); coding-DNA position 1072, C replaced by A.
Protein change: p.Pro358Thr; replaces proline 358 with threonine.
Molecular consequence: missense variant.
Genome position (GRCh38, 1-based): chrX:149,487,033, G>T on the plus strand (C>A on the coding strand, the complement: IDS is on the minus strand). VCF-style: chrX-149487033-G-T. GRCh37 (hg19) VCF-style: chrX-148568564-G-T.
Other names: c.802C>A, p.Pro268Thr (NM_001166550.4); c.1072C>A (NM_000202.7); short protein forms P268T, P358T.
Identifiers: ClinVar variation 1965238 (VCV001965238.4), dbSNP rs1557338141, ClinGen allele CA414518894.